The following is an entry in ClinVar:

NM_002691.4(POLD1):c.665C>G (p.Pro222Arg)

Gene: POLD1 (DNA polymerase delta 1, catalytic subunit; plus strand). Cytogenetic location: 19q13.33.
Variant type: single nucleotide variant.
Coding change: c.665C>G on transcript NM_002691.4 (MANE Select); coding-DNA position 665, C replaced by G.
Protein change: p.Pro222Arg; replaces proline 222 with arginine.
Molecular consequence: missense variant. On other transcripts: non-coding transcript variant (1).
Genome position (GRCh38, 1-based): chr19:50,402,280, C>G. VCF-style: chr19-50402280-C-G. GRCh37 (hg19) VCF-style: chr19-50905537-C-G.
Other names: c.665C>G, p.Pro222Arg (NM_001256849.1, NM_001308632.1); short protein forms P222R.
Identifiers: ClinVar variation 1062708 (VCV001062708.13), dbSNP rs368940099, ClinGen allele CA9595858.

ClinVar aggregate classification (germline): Uncertain significance. Review status: criteria provided, multiple submitters, no conflicts (2 of 4 stars). 3 submissions from 3 submitters: Uncertain significance (3). Last evaluated 2025-08-02.

Conditions:
Hereditary cancer-predisposing syndrome. Also called: Hereditary neoplastic syndrome; Neoplastic Syndromes, Hereditary; Tumor predisposition; Hereditary Cancer Syndrome. Identifiers: Orphanet 140162, MedGen C0027672, MeSH D009386, MONDO:0015356.
POLD1-related polyposis and colorectal cancer syndrome (CRCS10). Also called: Colorectal cancer, susceptibility to, 10; Colorectal cancer 10; COLORECTAL CANCER, SUSCEPTIBILITY TO, ON CHROMOSOME 19q. Identifiers: Orphanet 220460, MedGen C2675481, MONDO:0012953, OMIM 612591.

gnomAD v4.1: 19 of 1,607,374 alleles (0.0012%); highest among the groups gnomAD compares: Non-Finnish European, 0.0016%; no homozygotes.

Submissions (3):

Ambry Genetics
Classification: Uncertain significance for Hereditary cancer-predisposing syndrome. Last evaluated: 2025-08-02. Review status: criteria provided, single submitter. Criteria: Ambry Variant Classification Scheme 2023. Collection method: clinical testing. Allele origin: germline.
Comment: The p.P222R variant (also known as c.665C>G), located in coding exon 5 of the POLD1 gene, results from a C to G substitution at nucleotide position 665. The proline at codon 222 is replaced by arginine, an amino acid with dissimilar properties. This amino acid position is conserved. In addition, this alteration is predicted to be tolerated by in silico analysis. Since supporting evidence is limited at this time, the clinical significance of this alteration remains unclear.

Labcorp Genetics (formerly Invitae), Labcorp
Classification: Uncertain significance for POLD1-related polyposis and colorectal cancer syndrome. Last evaluated: 2025-06-09. Review status: criteria provided, single submitter. Criteria: Invitae Variant Classification Sherloc (09022015). Collection method: clinical testing. Allele origin: germline.
Comment: This sequence change replaces proline, which is neutral and non-polar, with arginine, which is basic and polar, at codon 222 of the POLD1 protein (p.Pro222Arg). The frequency data for this variant in the population databases is considered unreliable, as metrics indicate poor data quality at this position in the gnomAD database. This variant has not been reported in the literature in individuals affected with POLD1-related conditions. ClinVar contains an entry for this variant (Variation ID: 1062708). Invitae Evidence Modeling of protein sequence and biophysical properties (such as structural, functional, and spatial information, amino acid conservation, physicochemical variation, residue mobility, and thermodynamic stability) indicates that this missense variant is not expected to disrupt POLD1 protein function with a negative predictive value of 80%. In summary, the available evidence is currently insufficient to determine the role of this variant in disease. Therefore, it has been classified as a Variant of Uncertain Significance.

GeneDx
Classification: Uncertain significance. Last evaluated: 2019-08-26. Review status: criteria provided, single submitter. Criteria: GeneDx Variant Classification Process June 2021. Collection method: clinical testing. Allele origin: germline. Affected: yes.
Comment: Not observed at a significant frequency in large population cohorts (Lek et al., 2016); In silico analysis, which includes protein predictors and evolutionary conservation, supports a deleterious effect; Has not been previously published as pathogenic or benign to our knowledge